The following is an entry in ClinVar:

NM_000070.3(CAPN3):c.380-1G>A

Genes: CAPN3 (calpain 3; plus strand), LOC126862115 (BRD4-independent group 4 enhancer GRCh37_chr15:42677734-42678933; plus strand). Cytogenetic location: 15q15.1.
Variant type: single nucleotide variant.
Coding change: c.380-1G>A on transcript NM_000070.3 (MANE Select); the canonical splice acceptor site of the intron before coding-DNA position 380, G replaced by A.
Molecular consequence: splice acceptor variant.
Genome position (GRCh38, 1-based): chr15:42,386,166, G>A. VCF-style: chr15-42386166-G-A. GRCh37 (hg19) VCF-style: chr15-42678364-G-A.
Other names: c.380-1G>A (NM_024344.2, NM_173087.2).
Identifiers: ClinVar variation 2098864 (VCV002098864.4), dbSNP rs2548255670, ClinGen allele CA391997459.
Genomic context (GRCh38, chr15:42,386,166, plus strand): 5'-GGCTTTTTCTTCCCAGGAGGAGCAGGAGTGCTCACGATCTGTGCCCTGTGTCTGCCTGCA[G>A]GGGACTGCTGGTTTCTCGCAGCCATTGCCTGCCTGACCCTGAACCAGCACCTTCTTTTCC-3'

ClinVar aggregate classification (germline): Pathogenic (1 of 4 stars; one submission).

Conditions:
Autosomal recessive limb-girdle muscular dystrophy type 2A (LGMDR1). Also called: Muscular dystrophy, limb-girdle, type 2A, Amish; LEYDEN-MOEBIUS MUSCULAR DYSTROPHY; MUSCULAR DYSTROPHY, PELVOFEMORAL; Limb-girdle muscular dystrophy, type 2A; Calpainopathy. Identifiers: Orphanet 267, MedGen C1869123, MONDO:0009675, OMIM 253600. Disease mechanism: loss of function.

Submission:

Labcorp Genetics (formerly Invitae), Labcorp
Classification: Pathogenic for Autosomal recessive limb-girdle muscular dystrophy type 2A. Last evaluated: 2022-07-02. Review status: criteria provided, single submitter. Criteria: Invitae Variant Classification Sherloc (09022015). Collection method: clinical testing. Allele origin: germline.
Comment: For these reasons, this variant has been classified as Pathogenic. Algorithms developed to predict the effect of sequence changes on RNA splicing suggest that this variant may disrupt the consensus splice site. Disruption of this splice site has been observed in individuals with autosomal recessive limb-girdle muscular dystrophy (PMID: 30538847, 33337384). This variant is not present in population databases (gnomAD no frequency). This sequence change affects an acceptor splice site in intron 2 of the CAPN3 gene. It is expected to disrupt RNA splicing. Variants that disrupt the donor or acceptor splice site typically lead to a loss of protein function (PMID: 16199547), and loss-of-function variants in CAPN3 are known to be pathogenic (PMID: 10330340, 15689361).

Literature cited by the submitters: PubMed 30538847; PubMed 33337384; PubMed 16199547; PubMed 10330340; PubMed 15689361.